The following is an entry in ClinVar:

NM_006565.4(CTCF):c.867T>A (p.Thr289=)

Gene: CTCF (CCCTC-binding factor; plus strand). Cytogenetic location: 16q22.1.
Variant type: single nucleotide variant.
Coding change: c.867T>A on transcript NM_006565.4 (MANE Select); coding-DNA position 867, T replaced by A.
Protein change: p.Thr289=; no amino-acid change (threonine 289 retained).
Molecular consequence: synonymous variant. On other transcripts: intron variant (1).
Genome position (GRCh38, 1-based): chr16:67,612,036, T>A. VCF-style: chr16-67612036-T-A. GRCh37 (hg19) VCF-style: chr16-67645939-T-A.
Other names: c.867T>A, p.Thr289= (NM_001363916.2); c.-32-4709T>A (NM_001191022.2).
Identifiers: ClinVar variation 3907329 (VCV003907329.1).

ClinVar aggregate classification (germline): Likely benign (1 of 4 stars; one submission).

gnomAD v4.1: 7 of 1,614,042 alleles (0.00043%); highest among the groups gnomAD compares: Non-Finnish European, 0.00059%; no homozygotes.

Submission:

Women's Health and Genetics/Laboratory Corporation of America, LabCorp
Classification: Likely benign. Last evaluated: 2025-06-06. Review status: criteria provided, single submitter. Criteria: LabCorp Variant Classification Summary - May 2015. Collection method: clinical testing. Allele origin: germline.
Comment: Variant summary: CTCF c.867T>A alters a conserved nucleotide resulting in a synonymous change. Consensus agreement among computation tools predict no significant impact on normal splicing. However, these predictions have yet to be confirmed by functional studies. The variant allele was found at a frequency of 1.2e-05 in 251462 control chromosomes. The available data on variant occurrences in the general population are insufficient to allow any conclusion about variant significance. To our knowledge, no occurrence of c.867T>A in individuals affected with Intellectual developmental disorder, autosomal dominant 21 and no experimental evidence demonstrating its impact on protein function have been reported. No submitters have cited clinical-significance assessments for this variant to ClinVar. Based on the evidence outlined above, the variant was classified as likely benign.